The following is an entry in ClinVar:

ClinVar aggregate classification (germline): Uncertain significance (1 of 4 stars; one submission).

Conditions:
Distal hereditary motor neuropathy type 2. Identifiers: Orphanet 139525, MedGen C3711384, MeSH C580044, MONDO:0015352.

gnomAD v4.1: 2 of 1,613,962 alleles (0.00012%); highest among the groups gnomAD compares: South Asian, 0.0011%; no homozygotes.

Submission:

Labcorp Genetics (formerly Invitae), Labcorp
Classification: Uncertain significance for Distal hereditary motor neuropathy type 2. Last evaluated: 2019-07-22. Review status: criteria provided, single submitter. Criteria: Invitae Variant Classification Sherloc (09022015). Collection method: clinical testing. Allele origin: germline.
Comment: This sequence change replaces valine with leucine at codon 895 of the FBXO38 protein (p.Val895Leu). The valine residue is highly conserved and there is a small physicochemical difference between valine and leucine. This variant is not present in population databases (ExAC no frequency). This variant has not been reported in the literature in individuals with FBXO38-related conditions. Algorithms developed to predict the effect of missense changes on protein structure and function are either unavailable or do not agree on the potential impact of this missense change (SIFT: "Deleterious"; PolyPhen-2: "Benign"; Align-GVGD: "Class C0"). In summary, the available evidence is currently insufficient to determine the role of this variant in disease. Therefore, it has been classified as a Variant of Uncertain Significance.

NM_205836.3(FBXO38):c.2908G>T (p.Val970Leu)

Gene: FBXO38 (F-box protein 38; plus strand). Cytogenetic location: 5q32.
Variant type: single nucleotide variant.
Coding change: c.2908G>T on transcript NM_205836.3 (MANE Select); coding-DNA position 2908, G replaced by T.
Protein change: p.Val970Leu; replaces valine 970 with leucine.
Molecular consequence: missense variant.
Genome position (GRCh38, 1-based): chr5:148,438,382, G>T. VCF-style: chr5-148438382-G-T. GRCh37 (hg19) VCF-style: chr5-147817945-G-T.
Other names: c.2173G>T, p.Val725Leu (NM_001271723.2); c.2683G>T, p.Val895Leu (NM_030793.5); short protein forms V970L, V725L, V895L.
Identifiers: ClinVar variation 952752 (VCV000952752.11), dbSNP rs1754471311, ClinGen allele CA361660374.